The following is an entry in ClinVar:

NM_000043.6(FAS):c.956C>T (p.Thr319Ile)

Gene: FAS (Fas cell surface death receptor; plus strand). Cytogenetic location: 10q23.31.
Variant type: single nucleotide variant.
Coding change: c.956C>T on transcript NM_000043.6 (MANE Select); coding-DNA position 956, C replaced by T.
Protein change: p.Thr319Ile; replaces threonine 319 with isoleucine.
Molecular consequence: missense variant. On other transcripts: 3 prime UTR variant (2), non-coding transcript variant (7).
Genome position (GRCh38, 1-based): chr10:89,014,398, C>T. VCF-style: chr10-89014398-C-T. GRCh37 (hg19) VCF-style: chr10-90774155-C-T.
Other names: c.*279C>T (NM_001320619.2); c.893C>T, p.Thr298Ile (NM_152871.4); c.*268C>T (NM_152872.4); short protein forms T298I, T319I.
Identifiers: ClinVar variation 838342 (VCV000838342.8), dbSNP rs372459755, ClinGen allele CA5593241.

ClinVar aggregate classification (germline): Uncertain significance (1 of 4 stars; one submission).

Conditions:
Autoimmune lymphoproliferative syndrome type 1. Also called: AUTOIMMUNE LYMPHOPROLIFERATIVE SYNDROME, TYPE I, AUTOSOMAL DOMINANT. Identifiers: Orphanet 3261, MedGen C2717884, MONDO:0011158, OMIM 601859.

Allele frequency attached by ClinVar (database versions not stated): ESP Exome Variant Server 0.00008; 1000 Genomes Project 30x 0.00016; gnomAD exomes 0.00007; 1000 Genomes Project 0.00020; TOPMed 0.00008; gnomAD 0.00011; ExAC 0.00010.
gnomAD v4.1: 128 of 1,613,054 alleles (0.0079%); highest among the groups gnomAD compares: Middle Eastern, 0.033%; 3 homozygotes.

Submission:

Labcorp Genetics (formerly Invitae), Labcorp
Classification: Uncertain significance for Autoimmune lymphoproliferative syndrome. Last evaluated: 2025-11-25. Review status: criteria provided, single submitter. Criteria: Invitae Variant Classification Sherloc (09022015). Collection method: clinical testing. Allele origin: germline.
Comment: This sequence change replaces threonine, which is neutral and polar, with isoleucine, which is neutral and non-polar, at codon 319 of the FAS protein (p.Thr319Ile). This variant is present in population databases (rs372459755, gnomAD 0.02%). This variant has not been reported in the literature in individuals affected with FAS-related conditions. ClinVar contains an entry for this variant (Variation ID: 838342). An algorithm developed to predict the effect of missense changes on protein structure and function (PolyPhen-2) suggests that this variant is likely to be tolerated. In summary, the available evidence is currently insufficient to determine the role of this variant in disease. Therefore, it has been classified as a Variant of Uncertain Significance.